The following is an entry in ClinVar:

NM_015909.4(NBAS):c.2573G>C (p.Arg858Pro)

Gene: NBAS (NBAS subunit of NRZ tethering complex; minus strand). Cytogenetic location: 2p24.3.
Variant type: single nucleotide variant.
Coding change: c.2573G>C on transcript NM_015909.4 (MANE Select); coding-DNA position 2573, G replaced by C.
Protein change: p.Arg858Pro; replaces arginine 858 with proline.
Molecular consequence: missense variant. On other transcripts: non-coding transcript variant (1).
Genome position (GRCh38, 1-based): chr2:15,424,319, C>G on the plus strand (G>C on the coding strand, the complement: NBAS is on the minus strand). VCF-style: chr2-15424319-C-G. GRCh37 (hg19) VCF-style: chr2-15564443-C-G.
Other names: short protein forms R858P.
Identifiers: ClinVar variation 1483051 (VCV001483051.3), dbSNP rs775595422, ClinGen allele CA1536320.
Genomic context (GRCh38, chr2:15,424,319, plus strand): 5'-AGGATCCAAGGCAGTTCCACTAACATTACTGAGCAGCAGCTGCCATTTCCCCTCACCTGC[C>G]GAGCATAATGCTCTATTTCCTCTGCTCTGGTCTGATACCAGTCCATAACCTTCTCCACCG-3'
Protein context (NP_056993.2, residues 848-868): TRAEEIEHYA[Arg858Pro]QVDCALSLIR

ClinVar aggregate classification (germline): Uncertain significance (1 of 4 stars; one submission).

Allele frequency attached by ClinVar (database versions not stated): ExAC 0.00001.
gnomAD v4.1: 12 of 1,613,908 alleles (0.00074%); highest among the groups gnomAD compares: African/African-American, 0.0013%; no homozygotes.

Submission:

Labcorp Genetics (formerly Invitae), Labcorp
Classification: Uncertain significance. Last evaluated: 2021-10-14. Review status: criteria provided, single submitter. Criteria: Invitae Variant Classification Sherloc (09022015). Collection method: clinical testing. Allele origin: germline.
Comment: This sequence change replaces arginine with proline at codon 858 of the NBAS protein (p.Arg858Pro). The arginine residue is highly conserved and there is a moderate physicochemical difference between arginine and proline. The frequency data for this variant in the population databases is considered unreliable, as metrics indicate poor data quality at this position in the ExAC database. This variant has not been reported in the literature in individuals affected with NBAS-related conditions. Algorithms developed to predict the effect of missense changes on protein structure and function are either unavailable or do not agree on the potential impact of this missense change (SIFT: "Tolerated"; PolyPhen-2: "Possibly Damaging"; Align-GVGD: "Class C15"). In summary, the available evidence is currently insufficient to determine the role of this variant in disease. Therefore, it has been classified as a Variant of Uncertain Significance.